The following is an entry in ClinVar:

NM_006907.4(PYCR1):c.97A>G (p.Ser33Gly)

Gene: PYCR1 (pyrroline-5-carboxylate reductase 1; minus strand). Cytogenetic location: 17q25.3.
Variant type: single nucleotide variant.
Coding change: c.97A>G on transcript NM_006907.4 (MANE Select); coding-DNA position 97, A replaced by G.
Protein change: p.Ser33Gly; replaces serine 33 with glycine.
Molecular consequence: missense variant.
Genome position (GRCh38, 1-based): chr17:81,936,164, T>C on the plus strand (A>G on the coding strand, the complement: PYCR1 is on the minus strand). VCF-style: chr17-81936164-T-C. GRCh37 (hg19) VCF-style: chr17-79894040-T-C.
Other names: c.97A>G, p.Ser33Gly (NM_001282279.2, NM_001282280.2, NM_001330523.2 and 1 more transcripts); c.178A>G, p.Ser60Gly (NM_001282281.2); short protein forms S60G, S33G.
Identifiers: ClinVar variation 1414253 (VCV001414253.6), dbSNP rs771093220, ClinGen allele CA8845571.

ClinVar aggregate classification (germline): Uncertain significance (1 of 4 stars; one submission).

Allele frequency attached by ClinVar (database versions not stated): gnomAD exomes below 0.00001 and 0.00002; ExAC 0.00001; gnomAD 0.00001; TOPMed 0.00001.

Submission:

Labcorp Genetics (formerly Invitae), Labcorp
Classification: Uncertain significance. Last evaluated: 2021-08-11. Review status: criteria provided, single submitter. Criteria: Invitae Variant Classification Sherloc (09022015). Collection method: clinical testing. Allele origin: germline.
Comment: This sequence change replaces serine with glycine at codon 33 of the PYCR1 protein (p.Ser33Gly). The serine residue is moderately conserved and there is a small physicochemical difference between serine and glycine. This variant is present in population databases (rs771093220, ExAC 0.002%). This variant has not been reported in the literature in individuals affected with PYCR1-related conditions. Algorithms developed to predict the effect of missense changes on protein structure and function (SIFT, PolyPhen-2, Align-GVGD) all suggest that this variant is likely to be tolerated. In summary, the available evidence is currently insufficient to determine the role of this variant in disease. Therefore, it has been classified as a Variant of Uncertain Significance.